The following continues an entry in ClinVar:

NM_000371.4(TTR):c.262A>T (p.Ile88Leu)

Gene: TTR. ClinVar aggregate classification (germline): Pathogenic/Likely pathogenic. Pathogenic (7); Likely pathogenic (7).

Submissions 9 to 16 of 16:

Mayo Clinic Laboratories, Mayo Clinic
Classification: Pathogenic. Last evaluated: 2023-04-19. Review status: criteria provided, single submitter. Criteria: ACMG Guidelines, 2015. Collection method: clinical testing. Allele origin: germline. Observed: 3 variant alleles.
Comment: PP4, PM2, PS4

Mendelics
Classification: Pathogenic for Amyloidosis, hereditary systemic 1. Last evaluated: 2022-05-04. Review status: criteria provided, single submitter. Criteria: Mendelics Assertion Criteria 2019. Collection method: clinical testing. Allele origin: germline.

Fulgent Genetics
Classification: Likely pathogenic for Amyloidosis, hereditary systemic 1; Carpal tunnel syndrome 1; Hyperthyroxinemia, dystransthyretinemic. Last evaluated: 2022-04-24. Review status: criteria provided, single submitter. Criteria: ACMG Guidelines, 2015. Collection method: clinical testing. Allele origin: unknown.

Revvity Omics, Revvity
Classification: Likely pathogenic. Last evaluated: 2021-11-17. Review status: criteria provided, single submitter. Criteria: ACMG Guidelines, 2015. Collection method: clinical testing. Allele origin: germline.

ARUP Laboratories, Molecular Genetics and Genomics, ARUP Laboratories
Classification: Likely pathogenic. Last evaluated: 2021-05-14. Review status: criteria provided, single submitter. Criteria: ARUP Molecular Germline Variant Investigation Process 2021. Collection method: clinical testing. Allele origin: germline.
Comment: The TTR c.262A>T; p.Ile88Leu variant (rs121918085), also known as p.Ile88Leu, is reported in the literature in multiple individuals affected with hereditary transthyretin amyloidosis (Damy 2016, Ihse 2013, Iorio 2017, Mauzrizi 2020) and segregated with disease in at least one family (Rapezzi 2013). This variant is also reported in ClinVar (Variation ID: 13446). This variant is found in the non-Finnish European population with an allele frequency of 0.0018% (5/129164 alleles) in the Genome Aggregation Database. The isoleucine at codon 88 is weakly conserved, and computational analyses are uncertain whether this variant is neutral or deleterious (REVEL: 0.554). Based on available information, this variant is considered to be likely pathogenic. References: Damy T et al. Prevalence and clinical phenotype of hereditary transthyretin amyloid cardiomyopathy in patients with increased left ventricular wall thickness. Eur Heart J. 2016 Jun 14;37(23):1826-34. PMID: 26537620. Ihse E et al. Amyloid fibrils containing fragmented ATTR may be the standard fibril composition in ATTR amyloidosis. Amyloid. 2013 Sep;20(3):142-50. PMID: 23713495. Iorio A et al. Non-coding variants contribute to the clinical heterogeneity of TTR amyloidosis. Eur J Hum Genet. 2017 Sep;25(9):1055-1060. PMID: 28635949. Maurizi N et al. Prevalence of cardiac amyloidosis among adult patients referred to tertiary centres with an initial diagnosis of hypertrophic cardiomyopathy. Int J Cardiol. 2020 Feb 1;300:191-195. PMID: 31371117. Rapezzi C et al. Disease profile and differential diagnosis of hereditary transthyretin-related amyloidosis with exclusively cardiac phenotype: an Italian perspective. Eur Heart J. 2013 Feb;34(7):520-8. PMID: 22745357.

Laboratory for Molecular Medicine, Mass General Brigham Personalized Medicine
Classification: Likely pathogenic for ATTRV30M amyloidosis. Last evaluated: 2020-07-27. Review status: criteria provided, single submitter. Criteria: LMM Criteria. Collection method: clinical testing. Allele origin: germline. Inheritance: Autosomal dominant inheritance. Observed: 3 variant alleles.
Comment: The p.Ile88Leu variant in TTR (also described as p.Ile68Leu in the literature) has been identified in >20 individuals with clinical features of hereditary transthyretin amyloidosis (ATTR; Almeida 1991 PMID: 1786038, Hesse 1993 PMID: 8038017, Salvi 2003 PMID: 14640031, Perfetto 2011 PMID: 21540676, Ihse 2013 PMID: 23713495, Rapezzi 2013 PMID: 22745357, Cappelli 2016 PMID: 26428663, Damy 2016 PMID: 26537620, Iorio 2017 PMID: 28635949, Maurizi 2020 PMID: 31371117) and segregated with disease in at least 5 individuals from at least one family (Rapezzi 2013 PMID: 22745357). Clinical features in affected individuals included a mostly cardiac amyloidosis phenotype, with some neurologic and mixed cardiac/neurologic phenotypes. This variant has also been reported by another clinical laboratory in ClinVar (Variation ID 13446) and has been identified in 0.004% (5/129164) of European chromosomes by gnomAD. Results from an in vitro functional study using electrophoretic analyses to assess the role of this variant show that while variant p.Ile88Leu TTR monomer could be clearly distinguished from its wild type counterpart, it did not result in a reduced conformational stability of both TTR monomers and tetramers (Altland 2007 PMID: 17503405). Therefore, the clinical significance of these results is uncertain. Additionally, 7 mammals (squirrel, antelope, cow, goat, sheep, Tasmanian devil, opossum) carry a Leucine (Leu) at this position with moderate nearby amino acid conservation and additional computational tools suggest that this variant may not impact the protein, though this information is not predictive enough to rule out pathogenicity. In summary, although additional studies are required to fully establish its clinical significance, this variant meets criteria to be classified as likely pathogenic for autosomal dominant ATTR based upon presence in multiple affected individuals and segregation studies. ACMG/AMP criteria applied: PS4, PM2, PP1_Moderate, BP4.

Molecular Genetics Laboratory, BC Children's and BC Women's Hospitals
Classification: Pathogenic for Amyloidosis, hereditary systemic 1. Last evaluated: 2023-05-11. Review status: no assertion criteria provided. Criteria: ACMG Guidelines, 2015. Collection method: clinical testing. Allele origin: germline. Affected: yes. Not counted in ClinVar's aggregate classification.

OMIM
Classification: Pathogenic for AMYLOIDOSIS, HEREDITARY SYSTEMIC 1. Last evaluated: 1993-08-01. Review status: no assertion criteria provided. Collection method: literature only. Allele origin: germline. Not counted in ClinVar's aggregate classification.

Literature cited by the submitters: PubMed 1786038 (cited by 6 submitters); PubMed 17503405 (cited by 5 submitters); PubMed 22745357 (cited by 7 submitters); PubMed 26428663 (cited by 5 submitters); PubMed 26537620 (cited by 5 submitters); PubMed 31589614 (cited by Variantyx, Inc.); PubMed 31371117 (cited by 3 submitters); PubMed 30638075 (cited by Variantyx, Inc.); PubMed 28635949 (cited by Variantyx, Inc. and Laboratory for Molecular Medicine, Mass General Brigham Personalized Medicine); PubMed 23713495 (cited by 3 submitters); PubMed 15123043 (cited by Women's Health and Genetics/Laboratory Corporation of America, LabCorp); PubMed 17577688 (cited by Women's Health and Genetics/Laboratory Corporation of America, LabCorp); PubMed 21540676 (cited by 3 submitters); PubMed 12228058 (cited by Women's Health and Genetics/Laboratory Corporation of America, LabCorp); PubMed 21679902 (cited by Women's Health and Genetics/Laboratory Corporation of America, LabCorp); PubMed 14640031 (cited by Women's Health and Genetics/Laboratory Corporation of America, LabCorp and Laboratory for Molecular Medicine, Mass General Brigham Personalized Medicine); PubMed 19752327 (cited by Women's Health and Genetics/Laboratory Corporation of America, LabCorp); PubMed 8038017 (cited by 4 submitters); PubMed 15645642 (cited by Women's Health and Genetics/Laboratory Corporation of America, LabCorp); PubMed 30070416 (cited by Athena Diagnostics); PubMed 24184229 (cited by Athena Diagnostics); PubMed 26208957 (cited by Athena Diagnostics); PubMed 25636337 (cited by Athena Diagnostics); PubMed 29407121 (cited by Athena Diagnostics); PubMed 31006018 (cited by Athena Diagnostics); PubMed 31103217 (cited by Athena Diagnostics); PubMed 31502881 (cited by Athena Diagnostics); PubMed 30938420 (cited by Athena Diagnostics); PubMed 22620967 (cited by Athena Diagnostics); PubMed 24767411 (cited by Athena Diagnostics); PubMed 17062380 (cited by Athena Diagnostics); PubMed 34047656 (cited by Mayo Clinic Laboratories, Mayo Clinic); PubMed 35592550 (cited by Mayo Clinic Laboratories, Mayo Clinic); PubMed 35730447 (cited by Mayo Clinic Laboratories, Mayo Clinic); PubMed 30683924 (cited by Laboratory for Molecular Medicine, Mass General Brigham Personalized Medicine).